The following is an entry in ClinVar:

ClinVar aggregate classification (germline): Uncertain significance. Review status: criteria provided, multiple submitters, no conflicts (2 of 4 stars). 2 submissions from 2 submitters: Uncertain significance (2). Last evaluated 2024-05-10.

Conditions:
Van Maldergem syndrome 2 (VMLDS2). Identifiers: Orphanet 314679, MedGen C3809875, MONDO:0014242, OMIM 615546.
Hennekam lymphangiectasia-lymphedema syndrome 2 (HKLLS2). Identifiers: Orphanet 2136, MedGen C4014939, MONDO:0014454, OMIM 616006.

Allele frequency attached by ClinVar (database versions not stated): ExAC 0.00001; gnomAD exomes 0.00002; TOPMed 0.00004; gnomAD 0.00005; ESP Exome Variant Server 0.00008.
gnomAD v4.1: 42 of 1,613,846 alleles (0.0026%); highest among the groups gnomAD compares: Non-Finnish European, 0.0032%; no homozygotes.

Submissions (2):

Fulgent Genetics
Classification: Uncertain significance for Van Maldergem syndrome 2; Hennekam lymphangiectasia-lymphedema syndrome 2. Last evaluated: 2024-05-10. Review status: criteria provided, single submitter. Criteria: ACMG Guidelines, 2015. Collection method: clinical testing. Allele origin: germline.

Labcorp Genetics (formerly Invitae), Labcorp
Classification: Uncertain significance. Last evaluated: 2022-08-10. Review status: criteria provided, single submitter. Criteria: Invitae Variant Classification Sherloc (09022015). Collection method: clinical testing. Allele origin: germline.
Comment: This sequence change replaces lysine, which is basic and polar, with glutamic acid, which is acidic and polar, at codon 2686 of the FAT4 protein (p.Lys2686Glu). This variant is present in population databases (rs368445220, gnomAD 0.004%). This variant has not been reported in the literature in individuals affected with FAT4-related conditions. Advanced modeling of protein sequence and biophysical properties (such as structural, functional, and spatial information, amino acid conservation, physicochemical variation, residue mobility, and thermodynamic stability) performed at Invitae indicates that this missense variant is not expected to disrupt FAT4 protein function. In summary, the available evidence is currently insufficient to determine the role of this variant in disease. Therefore, it has been classified as a Variant of Uncertain Significance.

NM_001291303.3(FAT4):c.8062A>G (p.Lys2688Glu)

Gene: FAT4 (FAT atypical cadherin 4; plus strand). Cytogenetic location: 4q28.1.
Variant type: single nucleotide variant.
Coding change: c.8062A>G on transcript NM_001291303.3 (MANE Select); coding-DNA position 8062, A replaced by G.
Protein change: p.Lys2688Glu; replaces lysine 2688 with glutamic acid.
Molecular consequence: missense variant.
Genome position (GRCh38, 1-based): chr4:125,449,072, A>G. VCF-style: chr4-125449072-A-G. GRCh37 (hg19) VCF-style: chr4-126370227-A-G.
Other names: c.8062A>G, p.Lys2688Glu (NM_001291285.3); c.8056A>G, p.Lys2686Glu (NM_024582.6); c.8056A>G (NM_024582.5); short protein forms K2686E, K2688E.
Identifiers: ClinVar variation 2059717 (VCV002059717.2), dbSNP rs368445220, ClinGen allele CA3073304.